The following is an entry in ClinVar:

ClinVar aggregate classification (germline): Uncertain significance (1 of 4 stars; one submission).

Submission:

GeneDx
Classification: Uncertain significance. Last evaluated: 2025-11-19. Review status: criteria provided, single submitter. Criteria: GeneDx Variant Classification Process June 2021. Collection method: clinical testing. Allele origin: germline. Affected: yes.
Comment: Not observed at significant frequency in large population cohorts (gnomAD); In silico analysis supports that this missense variant has a deleterious effect on protein structure/function; Has not been previously published as pathogenic or benign to our knowledge

NM_000884.3(IMPDH2):c.257G>A (p.Gly86Asp)

Gene: IMPDH2 (inosine monophosphate dehydrogenase 2; minus strand). Cytogenetic location: 3p21.31.
Variant type: single nucleotide variant.
Coding change: c.257G>A on transcript NM_000884.3 (MANE Select); coding-DNA position 257, G replaced by A.
Protein change: p.Gly86Asp; replaces glycine 86 with aspartic acid.
Molecular consequence: missense variant. On other transcripts: intron variant (2).
Genome position (GRCh38, 1-based): chr3:49,028,315, C>T on the plus strand (G>A on the coding strand, the complement: IMPDH2 is on the minus strand). VCF-style: chr3-49028315-C-T. GRCh37 (hg19) VCF-style: chr3-49065748-C-T.
Other names: c.257G>A, p.Gly86Asp (NM_001410759.1); c.249+116G>A (NM_001410761.1, NM_001410760.1); short protein forms G86D.
Identifiers: ClinVar variation 3372812 (VCV003372812.2).
Genomic context (GRCh38, chr3:49,028,315, plus strand): 5'-TTCCGAACTTCATTGGCCTGGAATTCAGGTGTACAGTTGTGGTGGATGAAGCCAATACCG[C>T]CTGTAAGCTACAGGATAAAAAGAGACTACTACTAAGTGACAAGAAGCAGGACTGAATGCC-3'
Protein context (NP_000875.2, residues 76-96): AGMAIAMALT[Gly86Asp]GIGFIHHNCT